The following is an entry in ClinVar:

NM_001298.3(CNGA3):c.1306C>T (p.Arg436Trp)

Gene: CNGA3 (cyclic nucleotide gated channel subunit alpha 3; plus strand). Cytogenetic location: 2q11.2.
Variant type: single nucleotide variant.
Coding change: c.1306C>T on transcript NM_001298.3 (MANE Select); coding-DNA position 1306, C replaced by T.
Protein change: p.Arg436Trp; replaces arginine 436 with tryptophan.
Molecular consequence: missense variant.
Genome position (GRCh38, 1-based): chr2:98,396,476, C>T. VCF-style: chr2-98396476-C-T. GRCh37 (hg19) VCF-style: chr2-99012939-C-T.
Other names: c.1252C>T, p.Arg418Trp (NM_001079878.2); short protein forms R436W, R418W.
Identifiers: ClinVar variation 9482 (VCV000009482.73), dbSNP rs104893621, ClinGen allele CA254828.
Genomic context (GRCh38, chr2:98,396,476, plus strand): 5'-AAGATTGATTCCATCAAGCAGTACATGCAGTTCCGCAAGGTCACCAAGGACTTGGAGACG[C>T]GGGTTATCCGGTGGTTTGACTACCTGTGGGCCAACAAGAAGACGGTGGATGAGAAGGAGG-3'
Protein context (NP_001289.1, residues 426-446): FRKVTKDLET[Arg436Trp]VIRWFDYLWA

ClinVar aggregate classification (germline): Pathogenic. Review status: criteria provided, multiple submitters, no conflicts (2 of 4 stars). 21 submissions from 21 submitters: Pathogenic (15). 6 of the submissions do not count toward it. Last evaluated 2025-07-31.

Conditions:
CNGA3-related disorders.
CNGA3-related disorder. Also called: CNGA3-related condition.
Retinal dystrophy. Also called: Inherited retinal dystrophy. Identifiers: Orphanet 71862, MedGen C0854723, MeSH D058499, MONDO:0019118, HP:0000556.
Achromatopsia. Also called: Rod monochromatism. Identifiers: Orphanet 49382, MedGen C0152200, MONDO:0018852, HP:0011516.
Achromatopsia 2 (ACHM2). Also called: COLORBLINDNESS, TOTAL; ROD MONOCHROMACY 2; ROD MONOCHROMATISM 2. Identifiers: Orphanet 49382, MedGen C1857618, MONDO:0009003, OMIM 216900.

Allele frequency attached by ClinVar (database versions not stated): gnomAD 0.00003 and 0.00007; TOPMed 0.00004; gnomAD exomes 0.00007 and 0.00010; ExAC 0.00009; 1000 Genomes Project 30x 0.00016; 1000 Genomes Project 0.00020.

Submissions 1 to 14 of 21:

PreventionGenetics, part of Exact Sciences
Classification: Pathogenic for CNGA3-related condition. Last evaluated: 2025-07-31. Review status: criteria provided, single submitter. Criteria: ACMG Guidelines, 2015. Collection method: clinical testing. Allele origin: germline.
Comment: The CNGA3 c.1306C>T variant is predicted to result in the amino acid substitution p.Arg436Trp. This variant has been reported many times as causative for achromatopsia when present with a second pathogenic variant (see for example Wissinger et al. 2001. PubMed ID: 11536077). A functional study using transgenic expression in cell culture demonstrated that the p.Arg436Trp substitution results in a loss of photoreceptor channel activity (Matveev et al. 2010. PubMed ID: 20088482). This variant is reported in 0.040% of alleles in individuals of Ashkenazi Jewish descent in gnomAD making it one of the four most commonly occurring pathogenic variants in CNGA3. Given all the evidence, we interpret c.1306C>T (p.Arg436Trp) as pathogenic.

Labcorp Genetics (formerly Invitae), Labcorp
Classification: Pathogenic. Last evaluated: 2025-06-10. Review status: criteria provided, single submitter. Criteria: Invitae Variant Classification Sherloc (09022015). Collection method: clinical testing. Allele origin: germline.
Comment: This sequence change replaces arginine, which is basic and polar, with tryptophan, which is neutral and slightly polar, at codon 436 of the CNGA3 protein (p.Arg436Trp). This variant is present in population databases (rs104893621, gnomAD 0.04%). This missense change has been observed in individuals with retinal dystrophy (PMID: 11536077, 25943428, 26992781). It has also been observed to segregate with disease in related individuals. ClinVar contains an entry for this variant (Variation ID: 9482). Invitae Evidence Modeling of protein sequence and biophysical properties (such as structural, functional, and spatial information, amino acid conservation, physicochemical variation, residue mobility, and thermodynamic stability) indicates that this missense variant is expected to disrupt CNGA3 protein function with a positive predictive value of 95%. Experimental studies have shown that this missense change affects CNGA3 function (PMID: 17693388). For these reasons, this variant has been classified as Pathogenic.

Revvity Omics, Revvity
Classification: Pathogenic for Achromatopsia 2. Last evaluated: 2024-12-18. Review status: criteria provided, single submitter. Criteria: ACMG Guidelines, 2015. Collection method: clinical testing. Allele origin: germline.

Blueprint Genetics
Classification: Pathogenic for CNGA3-related disorders. Last evaluated: 2024-10-25. Review status: criteria provided, single submitter. Criteria: ACMG Guidelines, 2015. Collection method: clinical testing. Allele origin: germline. Affected: yes. Observed: 5 variant alleles.

Dasa
Classification: Pathogenic. Last evaluated: 2024-10-10. Review status: criteria provided, single submitter. Criteria: DASA Assertion Criteria. Collection method: clinical testing. Allele origin: germline.
Comment: NM_001298.3(CNGA3):c.1306C>T (p.Arg436Trp) is a missense variant that results in the substitution of arginine with tryptophan. Segregation evidence has been reported in affected families. This variant has been observed in affected individuals with related phenotype in a genotype context consistent with recessive disease (PMID: 17693388; PMID: 20088482; PMID: 21778272; PMID: 11536077; PMID: 25943428). Functional evidence supports a deleterious effect on the gene or gene product (PMID: 17693388; PMID: 20088482; PMID: 21778272; PMID: 11536077; PMID: 25943428). This variant has been recurrently observed in individuals with related phenotype (PMID: 17693388; PMID: 20088482; PMID: 21778272; PMID: 11536077; PMID: 25943428). Multiple computational predictions support a deleterious effect on the gene or gene product. The variant is present at low frequency in population datasets. Based on the available data, this variant is classified as pathogenic.

CeGaT Center for Human Genetics Tuebingen
Classification: Pathogenic. Last evaluated: 2023-05-01. Review status: criteria provided, single submitter. Criteria: CeGaT Center For Human Genetics Tuebingen Variant Classification Criteria Version 2. Collection method: clinical testing. Allele origin: germline. Affected: yes. Observed: 4 variant alleles.
Comment: CNGA3: PM3:Very Strong, PM1, PM2, PS3:Supporting

GeneDx
Classification: Pathogenic. Last evaluated: 2022-10-23. Review status: criteria provided, single submitter. Criteria: GeneDx Variant Classification Process June 2021. Collection method: clinical testing. Allele origin: germline. Affected: yes.
Comment: Published functional studies demonstrate a damaging effect with loss of activity and impaired cellular trafficking, as a result of changes to the secondary structure (Muraki-Oda et al., 2007; Matveev et al., 2010); This variant is associated with the following publications: (PMID: 16961972, 32531858, 26992781, 20088482, 11536077, 25943428, 25616768, 21778272, 15712225, 14757870, 17693388, 30804581, 30609409, 30682209, 24903488, 30418171, 31456290, 33083013, 34426522)

Women's Health and Genetics/Laboratory Corporation of America, LabCorp
Classification: Pathogenic for Achromatopsia 2. Last evaluated: 2022-08-26. Review status: criteria provided, single submitter. Criteria: LabCorp Variant Classification Summary - May 2015. Collection method: clinical testing. Allele origin: germline.
Comment: Variant summary: CNGA3 c.1306C>T (p.Arg436Trp) results in a non-conservative amino acid change in the encoded protein sequence. Five of five in-silico tools predict a damaging effect of the variant on protein function. The variant allele was found at a frequency of 9.6e-05 in 250684 control chromosomes. c.1306C>T has been reported in the literature in multiple individuals affected with Achromatopsia and has been shown to segregate in families (eg. Saqib_2015, Wissinger_2001, etc). These data indicate that the variant is very likely to be associated with disease. Experimental studies have shown the variant to have absent cGMP-activated current upon patch-clamp recordings, suggesting that this mutation causes a loss of function of the channels (Muraki-Oda_2007). Additionally, a mouse model demonstrated the variant to result in a loss of activity and impaired cellular trafficking, as a result of changes to the secondary structure (Matveev_2010). Seven clinical diagnostic laboratories have submitted clinical-significance assessments for this variant to ClinVar after 2014 without evidence for independent evaluation. All laboratories classified the variant as pathogenic/likely pathogenic. Based on the evidence outlined above, the variant was classified as pathogenic.

Molecular Genetics Laboratory, Institute for Ophthalmic Research
Classification: Pathogenic for Achromatopsia. Last evaluated: 2018-03-20. Review status: criteria provided, single submitter. Criteria: ACMG Guidelines, 2015. Collection method: research. Allele origin: germline. Affected: yes.

Laboratory for Molecular Medicine, Mass General Brigham Personalized Medicine
Classification: Pathogenic for Achromatopsia. Last evaluated: 2017-03-28. Review status: criteria provided, single submitter. Criteria: LMM Criteria. Collection method: clinical testing. Allele origin: germline. Inheritance: Autosomal recessive inheritance. Observed: 1 variant allele.
Comment: The p.Arg436Trp (NM001298.2 c.1306C>T) variant in CNGA3 has been reported in at least 2 homozygous and 10 compound heterozygous individuals with clinical diagno sis of achromatopsia or cone-rod dystrophy (Li 2014, Wissinger 2001, Johnson 200 4, Goto-Omoto 2006, Saqib 2015, Huang 2016, Nishiguchi 2005, Zelinger 2015, and Genead 2011), and segregated in 3 affected homozygous family members in one fami ly (Saqib 2015). This variant has also been identified in 0.036% (6/16,458) of S outh Asian chromosomes by the Exome Aggregation Consortium (ExAC; dbSNP rs104893621). Although this variant has been seen in the general population, its frequency is low enough to be consistent with a recessi ve carrier frequency. In summary, this variant meets criteria to be classified a s pathogenic for CNGA3-related achromatopsia/ cone-rod dystrophy in an autosomal recessive manner based upon its biallelic occurrence in affected individuals an d low frequency in control populations.

Institute of Human Genetics, Univ. Regensburg, Univ. Regensburg
Classification: Pathogenic for Retinal dystrophy. Last evaluated: 2017-01-01. Review status: criteria provided, single submitter. Criteria: ACMG Guidelines, 2015. Collection method: clinical testing. Allele origin: germline. Affected: yes.

CENTOGENE GmbH and LLC - Guiding Precision Medicine
Classification: Pathogenic for Achromatopsia type 2. Review status: criteria provided, single submitter. Criteria: ACMG Guidelines, 2015. Collection method: clinical testing. Allele origin: germline. Affected: yes.

Institute for Medical Genetics and Human Genetics, Charité - Universitätsmedizin Berlin
Classification: Pathogenic for Achromatopsia 2. Review status: criteria provided, single submitter. Criteria: ACMG Guidelines, 2015. Collection method: not provided. Allele origin: germline. Inheritance: Autosomal recessive inheritance. Affected: yes.

Kariminejad - Najmabadi Pathology & Genetics Center
Classification: Pathogenic for Achromatopsia 2. Review status: criteria provided, single submitter. Criteria: ACMG Guidelines, 2015. Collection method: clinical testing. Allele origin: germline. Affected: no.